The following is an entry in ClinVar:

ClinVar aggregate classification (germline): Benign (1 of 4 stars; one submission).

Conditions:
LGI4-related disorder. Also called: LGI4-related condition.

gnomAD v4.1: 37,698 of 1,541,642 alleles (2.4%); highest among the groups gnomAD compares: Middle Eastern, 3.1%; 612 homozygotes.

Submission:

PreventionGenetics, part of Exact Sciences
Classification: Benign for LGI4-related condition. Last evaluated: 2025-03-04. Review status: criteria provided, single submitter. Criteria: ACMG Guidelines, 2015. Collection method: clinical testing. Allele origin: germline.
Comment: This variant is classified as benign based on ACMG/AMP sequence variant interpretation guidelines (Richards et al. 2015 PMID: 25741868, with internal and published modifications).

NM_139284.3(LGI4):c.960C>G (p.Ala320=)

Gene: LGI4 (leucine rich repeat LGI family member 4; minus strand). Cytogenetic location: 19q13.12.
Variant type: single nucleotide variant.
Coding change: c.960C>G on transcript NM_139284.3 (MANE Select); coding-DNA position 960, C replaced by G.
Protein change: p.Ala320=; no amino-acid change (alanine 320 retained).
Molecular consequence: synonymous variant.
Genome position (GRCh38, 1-based): chr19:35,126,609, G>C on the plus strand (C>G on the coding strand, the complement: LGI4 is on the minus strand). VCF-style: chr19-35126609-G-C. GRCh37 (hg19) VCF-style: chr19-35617513-G-C.
Identifiers: ClinVar variation 4980624 (VCV004980624.1).